The following is an entry in ClinVar:

NM_015474.4(SAMHD1):c.1419del (p.Asp472_Tyr473insTer)

Gene: SAMHD1 (SAM and HD domain containing deoxynucleoside triphosphate triphosphohydrolase 1; minus strand). Cytogenetic location: 20q11.23.
Variant type: Deletion.
Coding change: c.1419del on transcript NM_015474.4 (MANE Select); coding-DNA position 1419, one base deleted (T; older notation c.1419delT).
Protein change: p.Asp472_Tyr473insTer.
Molecular consequence: nonsense.
Genome position (GRCh38, 1-based): chr20:36,904,241, A deleted on the plus strand (T on the coding strand, the reverse complement: SAMHD1 is on the minus strand). VCF-style (leftmost placement, unchanged base first): chr20-36904240-CA-C. GRCh37 (hg19) VCF-style: chr20-35532643-CA-C.
Other names: c.1419del, p.Asp472_Tyr473insTer (NM_001363729.2, NM_001363733.2).
Identifiers: ClinVar variation 1069266 (VCV001069266.7), dbSNP rs2148359769, ClinGen allele CA2499225745.
Genomic context (GRCh38, chr20:36,904,240, plus strand): 5'-TCAGTTTCACGTCTAGCAATACTTTGGGTTTAGCACTGGCAACCTCTTTTGGAAGAGATT[CA>C]TAGTCCTCCTGGAAAACACAAGACTCCCCATGTTAGAATCCATTTTTCATCAAGTCTTTG-3'

ClinVar aggregate classification (germline): Pathogenic (1 of 4 stars; one submission).

Conditions:
Aicardi-Goutieres syndrome 5. Identifiers: Orphanet 51, MedGen C2749659, MONDO:0013059, OMIM 612952.

Submission:

Labcorp Genetics (formerly Invitae), Labcorp
Classification: Pathogenic for Aicardi-Goutieres syndrome 5. Last evaluated: 2020-03-27. Review status: criteria provided, single submitter. Criteria: Invitae Variant Classification Sherloc (09022015). Collection method: clinical testing. Allele origin: germline.
Comment: This sequence change creates a premature translational stop signal (p.Tyr473*) in the SAMHD1 gene. It is expected to result in an absent or disrupted protein product. This variant is not present in population databases (ExAC no frequency). This variant has not been reported in the literature in individuals with SAMHD1-related conditions. Loss-of-function variants in SAMHD1 are known to be pathogenic (PMID: 19525956, 22461318). For these reasons, this variant has been classified as Pathogenic.

Literature cited by the submitters: PubMed 19525956; PubMed 22461318.